The following is an entry in ClinVar:

NM_001943.5(DSG2):c.2616G>T (p.Glu872Asp)

Genes: DSG2 (desmoglein 2; plus strand), DSG2-AS1 (DSG2 antisense RNA 1; minus strand). Cytogenetic location: 18q12.1.
Variant type: single nucleotide variant.
Coding change: c.2616G>T on transcript NM_001943.5 (MANE Select); coding-DNA position 2616, G replaced by T.
Protein change: p.Glu872Asp; replaces glutamic acid 872 with aspartic acid.
Molecular consequence: missense variant.
Genome position (GRCh38, 1-based): chr18:31,546,002, G>T. VCF-style: chr18-31546002-G-T. GRCh37 (hg19) VCF-style: chr18-29125965-G-T.
Other names: short protein forms E872D.
Identifiers: ClinVar variation 2625498 (VCV002625498.6), dbSNP rs755081470, ClinGen allele CA046601.
Genomic context (GRCh38, chr18:31,546,002, plus strand): 5'-GCAGAGACAAAAACCTGCCACAGAAACAAGTATGAACACAGCTTCACATTCACTCTGTGA[G>T]CAAACTATGGTTAATTCAGAGAATACCTACTCCTCTGGCAGTAGCTTCCCAGTTCCAAAA-3'
Protein context (NP_001934.2, residues 862-882): SMNTASHSLC[Glu872Asp]QTMVNSENTY

ClinVar aggregate classification (germline): Uncertain significance. Review status: criteria provided, multiple submitters, no conflicts (2 of 4 stars). 3 submissions from 3 submitters: Uncertain significance (3). Last evaluated 2024-11-16.

Conditions:
Arrhythmogenic right ventricular cardiomyopathy (ARVD). Also called: Arrhythmogenic right ventricular dysplasia; Cardiomyopathy, ARVC; Arrhythmogenic cardiomyopathy; Arrhythmogenic Right Ventricular Cardiomyopathy (ARVC). Identifiers: Orphanet 247, MedGen C0349788, MeSH D019571, MONDO:0016587. Disease mechanism: loss of function. Inheritance: Various modes of inheritance.
Cardiovascular phenotype. Identifiers: MedGen CN230736.
Arrhythmogenic right ventricular dysplasia 10. Also called: ARRHYTHMOGENIC RIGHT VENTRICULAR DYSPLASIA, FAMILIAL, 10; Arrhythmogenic Right Ventricular Dysplasia/Cardiomyopathy10; Arrhythmogenic right ventricular dysplasia/cardiomyopathy, type 10. Identifiers: MedGen C1857777, MONDO:0012434, OMIM 610193.

Allele frequency attached by ClinVar (database versions not stated): gnomAD exomes below 0.00001; TOPMed 0.00001; ExAC 0.00002; gnomAD 0.00002.
gnomAD v4.1: 4 of 1,614,074 alleles (0.00025%); highest among the groups gnomAD compares: African/African-American, 0.004%; no homozygotes.

Submissions (3):

Labcorp Genetics (formerly Invitae), Labcorp
Classification: Uncertain significance for Arrhythmogenic right ventricular dysplasia 10. Last evaluated: 2024-11-16. Review status: criteria provided, single submitter. Criteria: Invitae Variant Classification Sherloc (09022015). Collection method: clinical testing. Allele origin: germline.
Comment: This sequence change replaces glutamic acid, which is acidic and polar, with aspartic acid, which is acidic and polar, at codon 872 of the DSG2 protein (p.Glu872Asp). This variant is present in population databases (rs755081470, gnomAD 0.01%). This variant has not been reported in the literature in individuals affected with DSG2-related conditions. ClinVar contains an entry for this variant (Variation ID: 2625498). Invitae Evidence Modeling of protein sequence and biophysical properties (such as structural, functional, and spatial information, amino acid conservation, physicochemical variation, residue mobility, and thermodynamic stability) has been performed for this missense variant. However, the output from this modeling did not meet the statistical confidence thresholds required to predict the impact of this variant on DSG2 protein function. In summary, the available evidence is currently insufficient to determine the role of this variant in disease. Therefore, it has been classified as a Variant of Uncertain Significance.

All of Us Research Program, National Institutes of Health
Classification: Uncertain significance for Arrhythmogenic right ventricular cardiomyopathy. Last evaluated: 2024-03-05. Review status: criteria provided, single submitter. Criteria: ACMG Guidelines, 2015. Collection method: clinical testing. Allele origin: germline. Inheritance: Autosomal dominant inheritance. Observed: 1 variant allele, 1 heterozygote.
Comment: This study involves interpretation of variants in research participants for the purpose of population health screening. Participant phenotype was not available at the time of variant classification. Additional details can be found in publication PMID: 35346344, PMCID: PMC8962531

Ambry Genetics
Classification: Uncertain significance for Cardiovascular phenotype. Last evaluated: 2023-08-02. Review status: criteria provided, single submitter. Criteria: Ambry Variant Classification Scheme 2023. Collection method: clinical testing. Allele origin: germline.
Comment: The p.E872D variant (also known as c.2616G>T), located in coding exon 15 of the DSG2 gene, results from a G to T substitution at nucleotide position 2616. The glutamic acid at codon 872 is replaced by aspartic acid, an amino acid with highly similar properties. This amino acid position is well conserved in available vertebrate species. In addition, this alteration is predicted to be tolerated by in silico analysis. Since supporting evidence is limited at this time, the clinical significance of this alteration remains unclear.